The following is an entry in ClinVar:

NM_006206.6(PDGFRA):c.2613C>G (p.Leu871=)

Gene: PDGFRA (platelet derived growth factor receptor alpha; plus strand). Cytogenetic location: 4q12.
Variant type: single nucleotide variant.
Coding change: c.2613C>G on transcript NM_006206.6 (MANE Select); coding-DNA position 2613, C replaced by G.
Protein change: p.Leu871=; no amino-acid change (leucine 871 retained).
Molecular consequence: synonymous variant.
Genome position (GRCh38, 1-based): chr4:54,287,480, C>G. VCF-style: chr4-54287480-C-G. GRCh37 (hg19) VCF-style: chr4-55153647-C-G.
Other names: c.2688C>G, p.Leu896= (NM_001347828.2); c.2613C>G, p.Leu871= (NM_001347829.2); c.2652C>G, p.Leu884= (NM_001347830.2).
Identifiers: ClinVar variation 4134006 (VCV004134006.2).
Genomic context (GRCh38, chr4:54,287,480, plus strand): 5'-TTCCTTGCAGACCTTTCTGCCCGTGAAGTGGATGGCTCCTGAGAGCATCTTTGACAACCT[C>G]TACACCACACTGAGTGATGTCTGGTCTTATGGCATTCTGCTCTGGGAGATCTTTTCCCTT-3'
Protein context (NP_006197.1, residues 861-881): WMAPESIFDN[Leu871=]YTTLSDVWSY

ClinVar aggregate classification (germline): Benign/Likely benign. Review status: criteria provided, multiple submitters, no conflicts (2 of 4 stars). 2 submissions from 2 submitters: Benign (1); Likely benign (1). Last evaluated 2026-06-17.

Conditions:
Hereditary cancer-predisposing syndrome. Also called: Tumor predisposition; Hereditary Cancer Syndrome; Hereditary neoplastic syndrome; Neoplastic Syndromes, Hereditary. Identifiers: Orphanet 140162, MedGen C0027672, MeSH D009386, MONDO:0015356.
Polyps, multiple and recurrent inflammatory fibroid, gastrointestinal. Identifiers: MedGen C5193005, MONDO:0008285, OMIM 175510.

gnomAD v4.1: 2 of 1,580,620 alleles (0.00013%); highest among the groups gnomAD compares: South Asian, 0.0011%; no homozygotes.

Submissions (2):

Myriad Genetics, Inc.
Classification: Benign for Polyps, multiple and recurrent inflammatory fibroid, gastrointestinal. Last evaluated: 2026-06-17. Review status: criteria provided, single submitter. Criteria: Myriad Autosomal Dominant, Autosomal Recessive and X-Linked Classification Criteria (2023). Collection method: clinical testing. Allele origin: unknown.
Comment: This variant is considered benign. This variant is a silent/synonymous amino acid change and it is not expected to impact splicing.

Ambry Genetics
Classification: Likely benign for Hereditary cancer-predisposing syndrome. Last evaluated: 2025-08-20. Review status: criteria provided, single submitter. Criteria: Ambry Variant Classification Scheme 2023. Collection method: clinical testing. Allele origin: germline.